The following is an entry in ClinVar:

ClinVar aggregate classification (germline): Benign/Likely benign. Review status: criteria provided, multiple submitters, no conflicts (2 of 4 stars). 6 submissions from 5 submitters: Benign (1); Likely benign (4). 1 of the submissions does not count toward it. Last evaluated 2026-01-29.

Conditions:
Deficiency of galactokinase. Also called: GALACTOSEMIA II; Galactokinase deficiency with cataracts. Identifiers: Orphanet 352, Orphanet 79237, MedGen C0268155, MONDO:0009255, OMIM 230200.
Junctional epidermolysis bullosa with pyloric atresia. Also called: ITGB4-Related Epidermolysis Bullosa with Pyloric Atresia; Epidermolysis bullosa, junctional, with pyloric atresia and aplasia cutis congenita; Epidermolysis bullosa junctionalis with pyloric atresia; EPIDERMOLYSIS BULLOSA, JUNCTIONAL 5B, WITH PYLORIC ATRESIA; Junctional Epidermolysis Bullosa- Pyloric Atresia Syndrome; APLASIA CUTIS CONGENITA WITH GASTROINTESTINAL ATRESIA. Identifiers: Orphanet 79403, MedGen C5676875, MONDO:0009183, OMIM 226730.

Allele frequency attached by ClinVar (database versions not stated): gnomAD 0.00237 and 0.00224; 1000 Genomes Project 30x 0.00203; ESP Exome Variant Server 0.00262; TOPMed 0.00304; 1000 Genomes Project 0.00180.
gnomAD v4.1: 2,213 of 1,612,686 alleles (0.14%); highest among the groups gnomAD compares: Middle Eastern, 0.79%; 9 homozygotes.

Submissions (6):

Labcorp Genetics (formerly Invitae), Labcorp
Classification: Benign for Deficiency of galactokinase. Last evaluated: 2026-01-29. Review status: criteria provided, single submitter. Criteria: Invitae Variant Classification Sherloc (09022015). Collection method: clinical testing. Allele origin: germline.

CeGaT Center for Human Genetics Tuebingen
Classification: Likely benign. Last evaluated: 2024-10-01. Review status: criteria provided, single submitter. Criteria: CeGaT Center For Human Genetics Tuebingen Variant Classification Criteria Version 2. Collection method: clinical testing. Allele origin: germline. Affected: yes. Observed: 3 variant alleles.
Comment: GALK1: BP4, BP7

GeneDx
Classification: Likely benign. Last evaluated: 2020-11-03. Review status: criteria provided, single submitter. Criteria: GeneDx Variant Classification Process June 2021. Collection method: clinical testing. Allele origin: germline. Affected: yes.

Illumina Laboratory Services, Illumina
Classification: Likely benign for Junctional epidermolysis bullosa with pyloric atresia. Last evaluated: 2018-01-13. Review status: criteria provided, single submitter. Criteria: ICSL Variant Classification Criteria 13 December 2019. Collection method: clinical testing. Allele origin: germline.
Comment: This variant was observed in the ICSL laboratory as part of a predisposition screen in an ostensibly healthy population. It had not been previously curated by ICSL or reported in the Human Gene Mutation Database (HGMD: prior to June 1st, 2018), and was therefore a candidate for classification through an automated scoring system. Utilizing variant allele frequency, disease prevalence and penetrance estimates, and inheritance mode, an automated score was calculated to assess if this variant is too frequent to cause the disease. Based on the score and internal cut-off values, a variant classified as likely benign is not then subjected to further curation. The score for this variant resulted in a classification of likely benign for this disease.

Illumina Laboratory Services, Illumina
Classification: Likely benign for Deficiency of galactokinase. Last evaluated: 2018-01-12. Review status: criteria provided, single submitter. Criteria: ICSL Variant Classification Criteria 13 December 2019. Collection method: clinical testing. Allele origin: germline.
Comment: the same text as in the submission from Illumina Laboratory Services, Illumina above.

Natera, Inc.
Classification: Benign for Deficiency of galactokinase. Last evaluated: 2019-12-04. Review status: no assertion criteria provided. Collection method: clinical testing. Allele origin: germline. Not counted in ClinVar's aggregate classification.

NM_000154.2(GALK1):c.1119C>T (p.Gly373=)

Genes: GALK1 (galactokinase 1; minus strand), ITGB4 (integrin subunit beta 4; plus strand). Cytogenetic location: 17q25.1.
Variant type: single nucleotide variant.
Coding change: c.1119C>T on transcript NM_000154.2 (MANE Select); coding-DNA position 1119, C replaced by T.
Protein change: p.Gly373=; no amino-acid change (glycine 373 retained).
Molecular consequence: synonymous variant.
Genome position (GRCh38, 1-based): chr17:75,758,116, G>A on the plus strand (C>T on the coding strand, the complement: GALK1 is on the minus strand). VCF-style: chr17-75758116-G-A. GRCh37 (hg19) VCF-style: chr17-73754197-G-A.
Other names: c.1119C>T, p.Gly373= (NM_001381985.1).
Identifiers: ClinVar variation 459629 (VCV000459629.59), dbSNP rs73997615, ClinGen allele CA8770701.